The following is an entry in ClinVar:

ClinVar aggregate classification (germline): Benign (1 of 4 stars; one submission).

Allele frequency attached by ClinVar (database versions not stated): 1000 Genomes Project 30x 0.68707; 1000 Genomes Project 0.68790; TOPMed 0.73140; gnomAD 0.74840 and 0.74965.
gnomAD v4.1: 114,170 of 152,044 alleles (75%); highest among the groups gnomAD compares: Non-Finnish European, 84%; 44,055 homozygotes.

Submission:

GeneDx
Classification: Benign. Last evaluated: 2018-06-19. Review status: criteria provided, single submitter. Criteria: GeneDx Variant Classification (06012015). Collection method: clinical testing. Allele origin: germline. Affected: yes.
Comment: This variant is considered likely benign or benign based on one or more of the following criteria: it is a conservative change, it occurs at a poorly conserved position in the protein, it is predicted to be benign by multiple in silico algorithms, and/or has population frequency not consistent with disease.

NM_006059.4(LAMC3):c.2593+252T>C

Gene: LAMC3 (laminin subunit gamma 3; plus strand). Cytogenetic location: 9q34.12.
Variant type: single nucleotide variant.
Coding change: c.2593+252T>C on transcript NM_006059.4 (MANE Select); 252 bases into the intron after coding-DNA position 2593, T replaced by C.
Molecular consequence: intron variant.
Genome position (GRCh38, 1-based): chr9:131,067,457, T>C. VCF-style: chr9-131067457-T-C. GRCh37 (hg19) VCF-style: chr9-133942844-T-C.
Identifiers: ClinVar variation 684033 (VCV000684033.1), dbSNP rs12553829, ClinGen allele CA13021003.